The following is an entry in ClinVar:

ClinVar aggregate classification (germline): Conflicting classifications of pathogenicity. Review status: criteria provided, conflicting classifications (1 of 4 stars). 4 submissions from 4 submitters: Uncertain significance (2); Likely benign (2). Last evaluated 2025-07-30.

Conditions:
Inborn genetic diseases. Identifiers: MedGen C0950123, MeSH D030342.
Familial sleep-related hypermotor epilepsy. Also called: Autosomal Dominant Sleep-Related Hypermotor (Hyperkinetic) Epilepsy. Identifiers: Orphanet 98784, MedGen C3696898, MONDO:0000030.

Allele frequency attached by ClinVar (database versions not stated): gnomAD exomes 0.00001; ExAC 0.00002; gnomAD 0.00002; TOPMed 0.00004.
gnomAD v4.1: 12 of 1,598,170 alleles (0.00075%); highest among the groups gnomAD compares: African/African-American, 0.004%; no homozygotes.

Submissions (4):

Labcorp Genetics (formerly Invitae), Labcorp
Classification: Likely benign. Last evaluated: 2025-07-30. Review status: criteria provided, single submitter. Criteria: Invitae Variant Classification Sherloc (09022015). Collection method: clinical testing. Allele origin: germline.

Women's Health and Genetics/Laboratory Corporation of America, LabCorp
Classification: Uncertain significance. Last evaluated: 2024-10-29. Review status: criteria provided, single submitter. Criteria: LabCorp Variant Classification Summary - May 2015. Collection method: clinical testing. Allele origin: germline.
Comment: Variant summary: CHRNA4 c.1217C>T (p.Pro406Leu) results in a non-conservative amino acid change located in the Neurotransmitter-gated ion-channel ligand-binding domain (IPR006202) of the encoded protein sequence. Four of five in-silico tools predict a benign effect of the variant on protein function. The variant allele was found at a frequency of 1.3e-05 in 225082 control chromosomes (gnomAD). The available data on variant occurrences in the general population are insufficient to allow any conclusion about variant significance. To our knowledge, no occurrence of c.1217C>T in individuals affected with Epilepsy, Nocturnal Frontal Lobe, Type 1 and no experimental evidence demonstrating its impact on protein function have been reported. ClinVar contains an entry for this variant (Variation ID: 1013459). Based on the evidence outlined above, the variant was classified as uncertain significance.

Ambry Genetics
Classification: Uncertain significance for Inborn genetic diseases. Last evaluated: 2024-02-05. Review status: criteria provided, single submitter. Criteria: Ambry Variant Classification Scheme 2023. Collection method: clinical testing. Allele origin: germline.

CeGaT Center for Human Genetics Tuebingen
Classification: Likely benign. Last evaluated: 2022-08-01. Review status: criteria provided, single submitter. Criteria: CeGaT Center For Human Genetics Tuebingen Variant Classification Criteria Version 2. Collection method: clinical testing. Allele origin: germline. Affected: yes. Observed: 2 variant alleles.
Comment: CHRNA4: BP4

NM_000744.7(CHRNA4):c.1217C>T (p.Pro406Leu)

Gene: CHRNA4 (cholinergic receptor nicotinic alpha 4 subunit; minus strand). Cytogenetic location: 20q13.33.
Variant type: single nucleotide variant.
Coding change: c.1217C>T on transcript NM_000744.7 (MANE Select); coding-DNA position 1217, C replaced by T.
Protein change: p.Pro406Leu; replaces proline 406 with leucine.
Molecular consequence: missense variant. On other transcripts: non-coding transcript variant (1).
Genome position (GRCh38, 1-based): chr20:63,350,194, G>A on the plus strand (C>T on the coding strand, the complement: CHRNA4 is on the minus strand). VCF-style: chr20-63350194-G-A. GRCh37 (hg19) VCF-style: chr20-61981546-G-A.
Other names: c.1217C>T (NM_000744.5); c.689C>T, p.Pro230Leu (NM_001256573.2); short protein forms P230L, P406L.
Identifiers: ClinVar variation 1013459 (VCV001013459.47), dbSNP rs777222517, ClinGen allele CA9957630.